The following is an entry in ClinVar:

ClinVar aggregate classification (germline): Uncertain significance (1 of 4 stars; one submission).

gnomAD v4.1: 3 of 1,614,184 alleles (0.00019%); highest among the groups gnomAD compares: East Asian, 0.0045%; no homozygotes.

Submission:

GeneDx
Classification: Uncertain significance. Last evaluated: 2026-03-03. Review status: criteria provided, single submitter. Criteria: GeneDx Variant Classification Process June 2021. Collection method: clinical testing. Allele origin: germline.
Comment: Not observed at significant frequency in large population cohorts (gnomAD); In silico analysis supports that this missense variant has a deleterious effect on protein structure/function; Has not been previously published as pathogenic or benign to our knowledge

NM_014991.6(WDFY3):c.2642T>G (p.Ile881Ser)

Genes: WDFY3 (WD repeat and FYVE domain containing 3; minus strand), WDFY3-AS1 (WDFY3 antisense RNA 1; plus strand). Cytogenetic location: 4q21.23.
Variant type: single nucleotide variant.
Coding change: c.2642T>G on transcript NM_014991.6 (MANE Select); coding-DNA position 2642, T replaced by G.
Protein change: p.Ile881Ser; replaces isoleucine 881 with serine.
Molecular consequence: missense variant.
Genome position (GRCh38, 1-based): chr4:84,801,830, A>C on the plus strand (T>G on the coding strand, the complement: WDFY3 is on the minus strand). VCF-style: chr4-84801830-A-C. GRCh37 (hg19) VCF-style: chr4-85722983-A-C.
Other names: short protein forms I881S.
Identifiers: ClinVar variation 5008505 (VCV005008505.1).